The following is an entry in ClinVar:

ClinVar aggregate classification (germline): Likely benign. Review status: criteria provided, multiple submitters, no conflicts (2 of 4 stars). 3 submissions from 3 submitters: Likely benign (3). Last evaluated 2026-06-24.

Conditions:
UQCC3-related disorder. Also called: UQCC3-related condition.

Allele frequency attached by ClinVar (database versions not stated): 1000 Genomes Project 0.00020; 1000 Genomes Project 30x 0.00031; gnomAD 0.00038 and 0.00041; ESP Exome Variant Server 0.00039; TOPMed 0.00042; gnomAD exomes 0.00044 and 0.00085; ExAC 0.00094.

Submissions (3):

PreventionGenetics, part of Exact Sciences
Classification: Likely benign for UQCC3-related condition. Last evaluated: 2026-06-24. Review status: criteria provided, single submitter. Criteria: ACMG Guidelines, 2015. Collection method: clinical testing. Allele origin: germline.
Comment: This variant is classified as likely benign based on ACMG/AMP sequence variant interpretation guidelines (Richards et al. 2015 PMID: 25741868, with internal and published modifications).

Labcorp Genetics (formerly Invitae), Labcorp
Classification: Likely benign. Last evaluated: 2025-12-23. Review status: criteria provided, single submitter. Criteria: Invitae Variant Classification Sherloc (09022015). Collection method: clinical testing. Allele origin: germline.

Breakthrough Genomics
Classification: Likely benign. Review status: criteria provided, single submitter. Criteria: ACMG Guidelines, 2015. Collection method: not provided. Allele origin: germline. Inheritance: Autosomal recessive inheritance. Affected: yes.

NM_001085372.3(UQCC3):c.256G>A (p.Gly86Ser)

Genes: LBHD1 (LBH domain containing 1; minus strand), UQCC3 (ubiquinol-cytochrome c reductase complex assembly factor 3; plus strand). Cytogenetic location: 11q12.3.
Variant type: single nucleotide variant.
Coding change: c.256G>A on transcript NM_001085372.3 (MANE Select); coding-DNA position 256, G replaced by A.
Protein change: p.Gly86Ser; replaces glycine 86 with serine.
Molecular consequence: missense variant.
Genome position (GRCh38, 1-based): chr11:62,672,088, G>A. VCF-style: chr11-62672088-G-A. GRCh37 (hg19) VCF-style: chr11-62439560-G-A.
Other names: short protein forms G86S.
Identifiers: ClinVar variation 781961 (VCV000781961.11), dbSNP rs200710595, ClinGen allele CA6052603.